The following is an entry in ClinVar:

NM_018699.2:c.313_314insL1

Gene: PRDM5 (PR/SET domain 5; minus strand).
Variant type: Insertion.
Identifiers: ClinVar variation 4614751 (VCV004614751.1).

ClinVar aggregate classification (germline): Likely pathogenic (1 of 4 stars; one submission).

Conditions:
Cardiovascular phenotype. Identifiers: MedGen CN230736.

Submission:

Ambry Genetics
Classification: Likely pathogenic for Cardiovascular phenotype. Last evaluated: 2025-11-20. Review status: criteria provided, single submitter. Criteria: Ambry Variant Classification Scheme 2023. Collection method: clinical testing. Allele origin: germline.
Comment: The c.313_314insL1 likely pathogenic variant results from the insertion of an L1 element between nucleotides 313 and 314 in coding exon 4 of the PRDM5 gene. Mobile element insertions contribute to pathogenicity by either disrupting the coding sequence or inducing aberrant splicing (Belancio VP et al. Semin. Cancer Biol. 2010 Aug;20:200-10; Deininger P et al. Genome Biol. 2011 Dec;12:236; van der Klift HM Hum Mutat. 2012 Jul;33(7):1051-5). Based on the majority of available evidence to date, this variant is likely to be pathogenic.